The following is an entry in ClinVar:

NM_000038.6(APC):c.541C>A (p.Gln181Lys)

Gene: APC (APC regulator of Wnt signaling pathway; plus strand). Cytogenetic location: 5q22.2.
Variant type: single nucleotide variant.
Coding change: c.541C>A on transcript NM_000038.6 (MANE Select); coding-DNA position 541, C replaced by A.
Protein change: p.Gln181Lys; replaces glutamine 181 with lysine.
Molecular consequence: missense variant. On other transcripts: 5 prime UTR variant (4), non-coding transcript variant (2).
Genome position (GRCh38, 1-based): chr5:112,780,799, C>A. VCF-style: chr5-112780799-C-A. GRCh37 (hg19) VCF-style: chr5-112116496-C-A.
Other names: c.541C>A, p.Gln181Lys (NM_001127510.3, NM_001354895.2, NM_001354896.2 and 16 more transcripts); c.571C>A, p.Gln191Lys (NM_001127511.3, NM_001354897.2, NM_001354902.2 and 1 more transcripts); c.466C>A, p.Gln156Lys (NM_001354898.2, NM_001354904.2, NM_001407451.1); c.364C>A, p.Gln122Lys (NM_001354900.2, NM_001354901.2, NM_001354905.2 and 1 more transcripts); c.-495C>A (NM_001354906.2, NM_001407470.1, NM_001407471.1 and 1 more transcripts); c.541C>A (NM_000038.5); short protein forms Q122K, Q156K, Q181K, Q191K.
Identifiers: ClinVar variation 3075230 (VCV003075230.2), dbSNP rs863225366, ClinGen allele CA16022512.

ClinVar aggregate classification (germline): Uncertain significance. Review status: criteria provided, multiple submitters, no conflicts (2 of 4 stars). 2 submissions from 2 submitters: Uncertain significance (2). Last evaluated 2024-11-03.

Conditions:
Classic or attenuated familial adenomatous polyposis. Identifiers: MedGen CN372698, MONDO:0021057.
Hereditary cancer-predisposing syndrome. Also called: Neoplastic Syndromes, Hereditary; Tumor predisposition; Hereditary neoplastic syndrome; Hereditary Cancer Syndrome. Identifiers: Orphanet 140162, MedGen C0027672, MeSH D009386, MONDO:0015356.

Submissions (2):

Ambry Genetics
Classification: Uncertain significance for Hereditary cancer-predisposing syndrome. Last evaluated: 2024-11-03. Review status: criteria provided, single submitter. Criteria: Ambry Variant Classification Scheme 2023. Collection method: clinical testing. Allele origin: germline.
Comment: The p.Q181K variant (also known as c.541C>A), located in coding exon 5 of the APC gene, results from a C to A substitution at nucleotide position 541. The glutamine at codon 181 is replaced by lysine, an amino acid with similar properties. This amino acid position is conserved. In addition, in silico predictors for this gene do not accurately predict pathogenicity. Based on the available evidence, the clinical significance of this variant remains unclear.

All of Us Research Program, National Institutes of Health
Classification: Uncertain significance for Classic or attenuated familial adenomatous polyposis. Last evaluated: 2024-01-11. Review status: criteria provided, single submitter. Criteria: ACMG Guidelines, 2015. Collection method: clinical testing. Allele origin: germline. Inheritance: Autosomal dominant inheritance. Observed: 1 variant allele, 1 heterozygote.
Comment: This study involves interpretation of variants in research participants for the purpose of population health screening. Participant phenotype was not available at the time of variant classification. Additional details can be found in publication PMID: 35346344, PMCID: PMC8962531